The following is an entry in ClinVar:

ClinVar aggregate classification (germline): Uncertain significance (1 of 4 stars; one submission).

Conditions:
Hereditary intrinsic factor deficiency (IFD). Also called: Congenital intrinsic factor deficiency; PERNICIOUS ANEMIA, CONGENITAL, DUE TO DEFECT OF INTRINSIC FACTOR. Identifiers: Orphanet 332, MedGen C2062370, MONDO:0009852, OMIM 261000.

Allele frequency attached by ClinVar (database versions not stated): gnomAD 0.00001.

Submission:

Labcorp Genetics (formerly Invitae), Labcorp
Classification: Uncertain significance for Hereditary intrinsic factor deficiency. Last evaluated: 2022-07-12. Review status: criteria provided, single submitter. Criteria: Invitae Variant Classification Sherloc (09022015). Collection method: clinical testing. Allele origin: germline.
Comment: In summary, the available evidence is currently insufficient to determine the role of this variant in disease. Therefore, it has been classified as a Variant of Uncertain Significance. Algorithms developed to predict the effect of missense changes on protein structure and function (SIFT, PolyPhen-2, Align-GVGD) all suggest that this variant is likely to be tolerated. This variant has not been reported in the literature in individuals affected with GIF-related conditions. This variant is present in population databases (no rsID available, gnomAD 0.007%). This sequence change replaces glutamine, which is neutral and polar, with lysine, which is basic and polar, at codon 91 of the GIF protein (p.Gln91Lys).

NM_005142.3(CBLIF):c.271C>A (p.Gln91Lys)

Gene: CBLIF (cobalamin binding intrinsic factor; minus strand). Cytogenetic location: 11q12.1.
Variant type: single nucleotide variant.
Coding change: c.271C>A on transcript NM_005142.3 (MANE Select); coding-DNA position 271, C replaced by A.
Protein change: p.Gln91Lys; replaces glutamine 91 with lysine.
Molecular consequence: missense variant.
Genome position (GRCh38, 1-based): chr11:59,843,127, G>T on the plus strand (C>A on the coding strand, the complement: CBLIF is on the minus strand). VCF-style: chr11-59843127-G-T. GRCh37 (hg19) VCF-style: chr11-59610600-G-T.
Other names: short protein forms Q91K.
Identifiers: ClinVar variation 1954859 (VCV001954859.5), dbSNP rs1164085340, ClinGen allele CA380804492.